The following is an entry in ClinVar:

ClinVar aggregate classification (germline): Uncertain significance. Review status: criteria provided, multiple submitters, no conflicts (2 of 4 stars). 2 submissions from 2 submitters: Uncertain significance (2). Last evaluated 2026-01-27.

Conditions:
Familial thoracic aortic aneurysm and aortic dissection (TAAD). Also called: Thoracic aortic aneurysms and dissections. Identifiers: Orphanet 91387, MedGen C4707243, MONDO:0019625.
Adams-Oliver syndrome 5 (AOS5). Identifiers: Orphanet 974, MedGen C4014970, MONDO:0014459, OMIM 616028.

Allele frequency attached by ClinVar (database versions not stated): gnomAD exomes below 0.00001; TOPMed 0.00001.
gnomAD v4.1: 3 of 1,612,332 alleles (0.00019%); highest among the groups gnomAD compares: Non-Finnish European, 0.00025%; no homozygotes.

Submissions (2):

Ambry Genetics
Classification: Uncertain significance for Familial thoracic aortic aneurysm and aortic dissection. Last evaluated: 2026-01-27. Review status: criteria provided, single submitter. Criteria: Ambry Variant Classification Scheme 2023. Collection method: clinical testing. Allele origin: germline.
Comment: The p.T2090M variant (also known as c.6269C>T), located in coding exon 34 of the NOTCH1 gene, results from a C to T substitution at nucleotide position 6269. The threonine at codon 2090 is replaced by methionine, an amino acid with similar properties. This amino acid position is highly conserved in available vertebrate species. In addition, the in silico prediction for this alteration is inconclusive. Based on the available evidence, the clinical significance of this variant remains unclear.

Labcorp Genetics (formerly Invitae), Labcorp
Classification: Uncertain significance for Adams-Oliver syndrome 5. Last evaluated: 2024-11-27. Review status: criteria provided, single submitter. Criteria: Invitae Variant Classification Sherloc (09022015). Collection method: clinical testing. Allele origin: germline.
Comment: This sequence change replaces threonine, which is neutral and polar, with methionine, which is neutral and non-polar, at codon 2090 of the NOTCH1 protein (p.Thr2090Met). This variant is not present in population databases (gnomAD no frequency). This variant has not been reported in the literature in individuals affected with NOTCH1-related conditions. ClinVar contains an entry for this variant (Variation ID: 1388240). Invitae Evidence Modeling of protein sequence and biophysical properties (such as structural, functional, and spatial information, amino acid conservation, physicochemical variation, residue mobility, and thermodynamic stability) indicates that this missense variant is not expected to disrupt NOTCH1 protein function with a negative predictive value of 80%. In summary, the available evidence is currently insufficient to determine the role of this variant in disease. Therefore, it has been classified as a Variant of Uncertain Significance.

NM_017617.5(NOTCH1):c.6269C>T (p.Thr2090Met)

Gene: NOTCH1 (notch receptor 1; minus strand). Cytogenetic location: 9q34.3.
Variant type: single nucleotide variant.
Coding change: c.6269C>T on transcript NM_017617.5 (MANE Select); coding-DNA position 6269, C replaced by T.
Protein change: p.Thr2090Met; replaces threonine 2090 with methionine.
Molecular consequence: missense variant.
Genome position (GRCh38, 1-based): chr9:136,497,470, G>A on the plus strand (C>T on the coding strand, the complement: NOTCH1 is on the minus strand). VCF-style: chr9-136497470-G-A. GRCh37 (hg19) VCF-style: chr9-139391922-G-A.
Other names: c.6269C>T (NM_017617.3); short protein forms T2090M.
Identifiers: ClinVar variation 1388240 (VCV001388240.7), dbSNP rs1215473021, ClinGen allele CA375632101.